The following is an entry in ClinVar:

NM_000051.4(ATM):c.4909+1G>C

Gene: ATM (ATM serine/threonine kinase; plus strand). Cytogenetic location: 11q22.3.
Variant type: single nucleotide variant.
Coding change: c.4909+1G>C on transcript NM_000051.4 (MANE Select); the canonical splice donor site of the intron after coding-DNA position 4909, G replaced by C.
Molecular consequence: splice donor variant.
Genome position (GRCh38, 1-based): chr11:108,295,060, G>C. VCF-style: chr11-108295060-G-C. GRCh37 (hg19) VCF-style: chr11-108165787-G-C.
Other names: c.4909+1G>C (NM_001351834.2).
Identifiers: ClinVar variation 4725407 (VCV004725407.1).
Genomic context (GRCh38, chr11:108,295,060, plus strand): 5'-TTCGAAGACAACTGGAACTACATAAAGATCAGATGGTGGACATTATGAGAGCTTCTCAGG[G>C]TGCTAATTTTAAATGACATGGGCTATTTCTACCTGTTTCTTTTTGAAAGAATATTTTGCA-3'

ClinVar aggregate classification (germline): Pathogenic (1 of 4 stars; one submission).

Conditions:
Ataxia-telangiectasia syndrome (AT). Also called: ATAXIA-TELANGIECTASIA, COMPLEMENTATION GROUP A; ATAXIA-TELANGIECTASIA, FRESNO VARIANT; Ataxia-telangiectasia; LOUIS-BAR SYNDROME; Cerebello-oculocutaneous telangiectasia; Immunodeficiency with ataxia telangiectasia. Identifiers: Orphanet 100, MedGen C0004135, MONDO:0008840, OMIM 208900.

Submission:

Labcorp Genetics (formerly Invitae), Labcorp
Classification: Pathogenic for Ataxia-telangiectasia syndrome. Last evaluated: 2025-08-13. Review status: criteria provided, single submitter. Criteria: Invitae Variant Classification Sherloc (09022015). Collection method: clinical testing. Allele origin: germline.
Comment: This sequence change affects a donor splice site in intron 32 of the ATM gene. It is expected to disrupt RNA splicing. Variants that disrupt the donor or acceptor splice site typically lead to a loss of protein function (PMID: 16199547), and loss-of-function variants in ATM are known to be pathogenic (PMID: 23807571, 25614872). This variant is not present in population databases (gnomAD no frequency). Disruption of this splice site has been observed in individuals with ataxia-telangiectasia (PMID: 9887333). Algorithms developed to predict the effect of sequence changes on RNA splicing suggest that this variant may disrupt the consensus splice site. For these reasons, this variant has been classified as Pathogenic.

Literature cited by the submitters: PubMed 16199547; PubMed 23807571; PubMed 25614872; PubMed 9887333.